The following is an entry in ClinVar:

NM_001388303.1(HECTD4):c.9716C>T (p.Ser3239Phe)

Gene: HECTD4 (HECT domain E3 ubiquitin protein ligase 4; minus strand). Cytogenetic location: 12q24.13.
Variant type: single nucleotide variant.
Coding change: c.9716C>T on transcript NM_001388303.1 (MANE Select); coding-DNA position 9716, C replaced by T.
Protein change: p.Ser3239Phe; replaces serine 3239 with phenylalanine.
Molecular consequence: missense variant.
Genome position (GRCh38, 1-based): chr12:112,185,250, G>A on the plus strand (C>T on the coding strand, the complement: HECTD4 is on the minus strand). VCF-style: chr12-112185250-G-A. GRCh37 (hg19) VCF-style: chr12-112623054-G-A.
Other names: c.9746C>T, p.Ser3249Phe (NM_001109662.4); short protein forms S3239F, S3249F.
Identifiers: ClinVar variation 2632153 (VCV002632153.1), dbSNP rs1318967566, ClinGen allele CA386773025.
Genomic context (GRCh38, chr12:112,185,250, plus strand): 5'-TCCATGAGTGCATGAAAATACGTAGAGAACCTGCCCTGGTCACCGGCCGCCGCCCCCCCG[G>A]AGCCCCCGCAGGCGCCGCCTGAGACCCAGTTCTGCGTCTCCTCGTCGTACAGCTTGTGGA-3'
Protein context (NP_001375232.1, residues 3229-3249): NWVSGGACGG[Ser3239Phe]GGAAAGDQGR

ClinVar aggregate classification (germline): Uncertain significance (1 of 4 stars; one submission).

Conditions:
HECTD4-related disorder. Also called: HECTD4-related condition.

Allele frequency attached by ClinVar (database versions not stated): gnomAD exomes below 0.00001.
gnomAD v4.1: 1 of 1,550,174 alleles (0.000065%); highest among the groups gnomAD compares: Non-Finnish European, 0.000087%; no homozygotes.

Submission:

PreventionGenetics, part of Exact Sciences
Classification: Uncertain significance for HECTD4-related condition. Last evaluated: 2023-07-12. Review status: criteria provided, single submitter. Criteria: ACMG Guidelines, 2015. Collection method: clinical testing. Allele origin: germline.
Comment: The HECTD4 c.9314C>T variant is predicted to result in the amino acid substitution p.Ser3105Phe. To our knowledge, this variant has not been reported in the literature or in a large population database, indicating this variant is rare. At this time, the clinical significance of this variant is uncertain due to the absence of conclusive functional and genetic evidence.